The following is an entry in ClinVar:

NM_134261.3(RORA):c.1447C>T (p.Arg483Ter)

Genes: RORA (RAR related orphan receptor A; minus strand), RORA-AS1 (RORA antisense RNA 1; plus strand). Cytogenetic location: 15q22.2.
Variant type: single nucleotide variant.
Coding change: c.1447C>T on transcript NM_134261.3 (MANE Select); coding-DNA position 1447, C replaced by T.
Protein change: p.Arg483Ter; replaces arginine 483 with a stop codon.
Molecular consequence: nonsense.
Genome position (GRCh38, 1-based): chr15:60,497,580, G>A on the plus strand (C>T on the coding strand, the complement: RORA is on the minus strand). VCF-style: chr15-60497580-G-A. GRCh37 (hg19) VCF-style: chr15-60789779-G-A.
Other names: c.1447C>T (NM_134261.2); c.1522C>T, p.Arg508Ter (NM_002943.4); c.1546C>T, p.Arg516Ter (NM_134260.3); c.1282C>T, p.Arg428Ter (NM_134262.3); short protein forms R428*, R483*, R508*, R516*.
Identifiers: ClinVar variation 982776 (VCV000982776.6), dbSNP rs2065199547, ClinGen allele CA392666951.

ClinVar aggregate classification (germline): Conflicting classifications of pathogenicity. Review status: criteria provided, conflicting classifications (1 of 4 stars). 3 submissions from 3 submitters: Likely pathogenic (1); Uncertain significance (2). Last evaluated 2024-04-30.

Conditions:
Intellectual developmental disorder with or without epilepsy or cerebellar ataxia. Identifiers: MedGen C4748041, MONDO:0060745, OMIM 618060.

Submissions (3):

GeneDx
Classification: Likely pathogenic. Last evaluated: 2024-04-30. Review status: criteria provided, single submitter. Criteria: GeneDx Variant Classification Process June 2021. Collection method: clinical testing. Allele origin: germline. Affected: yes.
Comment: Nonsense variant predicted to result in protein truncation, as the last 41 amino acids are lost, and other loss-of-function variants have been reported downstream in HGMD; Not observed at significant frequency in large population cohorts (gnomAD); Has not been previously published as pathogenic or benign to our knowledge

Labcorp Genetics (formerly Invitae), Labcorp
Classification: Uncertain significance. Last evaluated: 2022-07-25. Review status: criteria provided, single submitter. Criteria: Invitae Variant Classification Sherloc (09022015). Collection method: clinical testing. Allele origin: germline.
Comment: In summary, the available evidence is currently insufficient to determine the role of this variant in disease. Therefore, it has been classified as a Variant of Uncertain Significance. ClinVar contains an entry for this variant (Variation ID: 982776). This sequence change creates a premature translational stop signal (p.Arg516*) in the RORA gene. While this is not anticipated to result in nonsense mediated decay, it is expected to disrupt the last 41 amino acid(s) of the RORA protein. This variant is not present in population databases (gnomAD no frequency). This variant has not been reported in the literature in individuals affected with RORA-related conditions.

Institute of Human Genetics, University of Leipzig Medical Center
Classification: Uncertain significance for Intellectual developmental disorder with or without epilepsy or cerebellar ataxia. Last evaluated: 2019-01-01. Review status: criteria provided, single submitter. Criteria: ACMG Guidelines, 2015. Collection method: clinical testing. Allele origin: unknown. Affected: yes.